The following is an entry in ClinVar:

NM_032242.4(PLXNA1):c.2412G>A (p.Ala804=)

Gene: PLXNA1 (plexin A1; plus strand). Cytogenetic location: 3q21.3.
Variant type: single nucleotide variant.
Coding change: c.2412G>A on transcript NM_032242.4 (MANE Select); coding-DNA position 2412, G replaced by A.
Protein change: p.Ala804=; no amino-acid change (alanine 804 retained).
Molecular consequence: synonymous variant.
Genome position (GRCh38, 1-based): chr3:127,014,183, G>A. VCF-style: chr3-127014183-G-A. GRCh37 (hg19) VCF-style: chr3-126733026-G-A.
Identifiers: ClinVar variation 3060564 (VCV003060564.2), dbSNP rs768313880, ClinGen allele CA2593625.
Genomic context (GRCh38, chr3:127,014,183, plus strand): 5'-GGGCGCCCCGGCGGGGTGGGCAGTGGGCGGGCCCGAGCTGACCGCACCCCTCCCCACAGC[G>A]CACCTCTACAAGTGCCCGGCCCTGCGCGAGAGCTGCGGCCTCTGCCTCAAGGCCGACCCG-3'
Protein context (NP_115618.3, residues 794-814): FVIDNPQNIQ[Ala804=]HLYKCPALRE

ClinVar aggregate classification (germline): Likely benign (0 of 4 stars; one submission).

Conditions:
PLXNA1-related disorder. Also called: PLXNA1-related condition.

Allele frequency attached by ClinVar (database versions not stated): TOPMed below 0.00001; ExAC 0.00001.
gnomAD v4.1: 15 of 1,610,902 alleles (0.00093%); highest among the groups gnomAD compares: Middle Eastern, 0.033%; no homozygotes.

Submission:

PreventionGenetics, part of Exact Sciences
Classification: Likely benign for PLXNA1-related condition. Last evaluated: 2022-05-10. Review status: no assertion criteria provided. Collection method: clinical testing. Allele origin: germline.
Comment: This variant is classified as likely benign based on ACMG/AMP sequence variant interpretation guidelines (Richards et al. 2015 PMID: 25741868, with internal and published modifications).